The following is an entry in ClinVar:

NM_006642.5(SDCCAG8):c.181G>T (p.Ala61Ser)

Gene: SDCCAG8 (SHH signaling and ciliogenesis regulator SDCCAG8; plus strand). Cytogenetic location: 1q43.
Variant type: single nucleotide variant.
Coding change: c.181G>T on transcript NM_006642.5 (MANE Select); coding-DNA position 181, G replaced by T.
Protein change: p.Ala61Ser; replaces alanine 61 with serine.
Molecular consequence: missense variant. On other transcripts: 5 prime UTR variant (4).
Genome position (GRCh38, 1-based): chr1:243,270,218, G>T. VCF-style: chr1-243270218-G-T. GRCh37 (hg19) VCF-style: chr1-243433520-G-T.
Other names: c.-932G>T (NM_001350246.2); c.-820G>T (NM_001350247.2); c.181G>T, p.Ala61Ser (NM_001350248.2); c.-114G>T (NM_001350249.2); c.-1193G>T (NM_001350251.2); short protein forms A61S.
Identifiers: ClinVar variation 641196 (VCV000641196.16), dbSNP rs149928402, ClinGen allele CA1483214.

ClinVar aggregate classification (germline): Uncertain significance. Review status: criteria provided, multiple submitters, no conflicts (2 of 4 stars). 5 submissions from 5 submitters: Uncertain significance (5). Last evaluated 2026-09-21.

Conditions:
SDCCAG8-related disorder. Also called: SDCCAG8-related condition; SDCCAG8-Related Disorders.
Senior-Loken syndrome 7 (SLSN7). Identifiers: Orphanet 3156, MedGen C3150877, MONDO:0013326, OMIM 613615.
Bardet-Biedl syndrome 16 (BBS16). Identifiers: Orphanet 110, MedGen C3889474, MONDO:0014444, OMIM 615993.

Allele frequency attached by ClinVar (database versions not stated): ESP Exome Variant Server 0.00038.
gnomAD v4.1: 226 of 1,614,124 alleles (0.014%); highest among the groups gnomAD compares: Middle Eastern, 0.099%; no homozygotes.

Submissions (5):

PreventionGenetics, part of Exact Sciences
Classification: Uncertain significance for SDCCAG8-related condition. Last evaluated: 2026-09-21. Review status: criteria provided, single submitter. Criteria: ACMG Guidelines, 2015. Collection method: clinical testing. Allele origin: germline.
Comment: The SDCCAG8 c.181G>T variant is predicted to result in the amino acid substitution p.Ala61Ser. To our knowledge, this variant has not been reported in the literature. This variant is reported in 0.048% of alleles in individuals of Latino descent in gnomAD. At this time, the clinical significance of this variant is uncertain due to the absence of conclusive functional and genetic evidence.

GeneDx
Classification: Uncertain significance. Last evaluated: 2025-04-11. Review status: criteria provided, single submitter. Criteria: GeneDx Variant Classification Process June 2021. Collection method: clinical testing. Allele origin: germline. Affected: yes.
Comment: In silico analysis indicates that this missense variant does not alter protein structure/function; Has not been previously published as pathogenic or benign to our knowledge

Labcorp Genetics (formerly Invitae), Labcorp
Classification: Uncertain significance for Bardet-Biedl syndrome 16; Senior-Loken syndrome 7. Last evaluated: 2025-01-06. Review status: criteria provided, single submitter. Criteria: Invitae Variant Classification Sherloc (09022015). Collection method: clinical testing. Allele origin: germline.
Comment: This sequence change replaces alanine, which is neutral and non-polar, with serine, which is neutral and polar, at codon 61 of the SDCCAG8 protein (p.Ala61Ser). This variant is present in population databases (rs149928402, gnomAD 0.05%). This variant has not been reported in the literature in individuals affected with SDCCAG8-related conditions. ClinVar contains an entry for this variant (Variation ID: 641196). Invitae Evidence Modeling of protein sequence and biophysical properties (such as structural, functional, and spatial information, amino acid conservation, physicochemical variation, residue mobility, and thermodynamic stability) indicates that this missense variant is not expected to disrupt SDCCAG8 protein function with a negative predictive value of 80%. In summary, the available evidence is currently insufficient to determine the role of this variant in disease. Therefore, it has been classified as a Variant of Uncertain Significance.

Fulgent Genetics
Classification: Uncertain significance for Senior-Loken syndrome 7; Bardet-Biedl syndrome 16. Last evaluated: 2024-05-23. Review status: criteria provided, single submitter. Criteria: ACMG Guidelines, 2015. Collection method: clinical testing. Allele origin: germline.

New York Genome Center
Classification: Uncertain significance for Bardet-Biedl syndrome 16; Senior-Loken syndrome 7. Last evaluated: 2023-04-04. Review status: criteria provided, single submitter. Criteria: NYGC Assertion Criteria 2020. Collection method: clinical testing. Allele origin: germline. Observed: 2 heterozygotes. Clinical features observed: Type 2 diabetes mellitus (HP:0005978), Hyperlipidemia (HP:0003077).